The following is an entry in ClinVar:

NM_007294.4(BRCA1):c.3020_3023del (p.Ser1007fs)

Gene: BRCA1 (BRCA1 DNA repair associated; minus strand). Cytogenetic location: 17q21.31.
Variant type: Deletion.
Coding change: c.3020_3023del on transcript NM_007294.4 (MANE Select); coding-DNA positions 3020 to 3023, 4 bases deleted (CAAT; older notation c.3020_3023delCAAT).
Protein change: p.Ser1007fs; shifts the reading frame from serine 1007.
Molecular consequence: frameshift variant. On other transcripts: intron variant (137).
Genome position (GRCh38, 1-based): chr17:43,092,508-43,092,511, ATTG deleted on the plus strand (CAAT on the coding strand, the reverse complement: BRCA1 is on the minus strand); deleting any 4 consecutive bases within chr17:43,092,508-43,092,512 gives the same sequence; the c. name uses the placement nearest the transcript's 3' end. VCF-style (leftmost placement, unchanged base first): chr17-43092507-CATTG-C. GRCh37 (hg19) VCF-style: chr17-41244524-CATTG-C.
Other names: 3139delCAAT-ter1022; c.578-1479_578-1476del (NM_001408480.1, NM_001408492.1, NM_001408513.1 and 9 more transcripts); c.779-1479_779-1476del (NM_001408408.1); c.662-1479_662-1476del (NM_001408446.1, NM_001408435.1, NM_001408448.1 and 6 more transcripts); c.785-1479_785-1476del (NM_001408401.1, NM_001408396.1, NM_001407985.1 and 13 more transcripts); c.548-1479_548-1476del (NM_001408494.1); c.665-1479_665-1476del (NM_001408444.1, NM_001408438.1, NM_001408430.1 and 12 more transcripts); c.671-1479_671-1476del (NM_001408423.1, NM_001408420.1, NM_001408419.1 and 2 more transcripts); and 43 more; short protein forms S960fs, S1007fs, S1004fs, S839fs, S879fs, S980fs, S919fs, S936fs.
Identifiers: ClinVar variation 266329 (VCV000266329.6), dbSNP rs886040093, ClinGen allele CA10589787.

ClinVar aggregate classification (germline): Pathogenic. Review status: reviewed by expert panel (3 of 4 stars). 2 submissions from 2 submitters: Pathogenic (1). 1 of the submissions does not count toward it. Last evaluated 2016-10-18.

Conditions:
Breast-ovarian cancer, familial, susceptibility to, 1 (BROVCA1). Also called: BRCA1 Hereditary Breast and Ovarian Cancer; OVARIAN CANCER, SUSCEPTIBILITY TO. Identifiers: Orphanet 145, MedGen C2676676, MONDO:0011450, OMIM 604370. Disease mechanism: loss of function.

Submissions (2):

Evidence-based Network for the Interpretation of Germline Mutant Alleles (ENIGMA)
Classification: Pathogenic for Breast-ovarian cancer, familial, susceptibility to, 1. Last evaluated: 2016-10-18. Review status: reviewed by expert panel. Criteria: ENIGMA BRCA1/2 Classification Criteria (2015). Collection method: curation. Allele origin: germline.
Comment: Variant allele predicted to encode a truncated non-functional protein.

Consortium of Investigators of Modifiers of BRCA1/2 (CIMBA), c/o University of Cambridge
Classification: Pathogenic for Breast-ovarian cancer, familial, susceptibility to, 1. Last evaluated: 2015-10-02. Review status: criteria provided, single submitter. Criteria: CIMBA Mutation Classification guidelines May 2016. Collection method: clinical testing. Allele origin: germline. Not counted in ClinVar's aggregate classification.